The following is an entry in ClinVar:

NM_022124.6(CDH23):c.8489_8490delinsCC (p.Gln2830Pro)

Gene: CDH23 (cadherin related 23; plus strand). Cytogenetic location: 10q22.1.
Variant type: Indel.
Coding change: c.8489_8490delinsCC on transcript NM_022124.6 (MANE Select); coding-DNA positions 8489 to 8490, AG replaced by CC.
Protein change: p.Gln2830Pro; replaces glutamine 2830 with proline.
Molecular consequence: missense variant.
Genome position (GRCh38, 1-based): chr10:71,807,696-71,807,697, AG replaced by CC. VCF-style: chr10-71807696-AG-CC. GRCh37 (hg19) VCF-style: chr10-73567453-AG-CC.
Other names: c.1769_1770delinsCC, p.Gln590Pro (NM_001171933.1, NM_001171934.1); short protein forms Q590P, Q2830P.
Identifiers: ClinVar variation 1958283 (VCV001958283.5), dbSNP rs2494436276, ClinGen allele CA2580081856.
Genomic context (GRCh38, chr10:71,807,696, plus strand): 5'-GCTGGACACCTCCCCGTGGACCCTCCCCAACCCTCGACCTGGTTGCTGACCTCACACTGC[AG>CC]GAGGTGCGCGTTGTGCTAGAGGACATCAACGACCAGCCACCACGCTTCACCAAGGCTGAG-3'
Protein context (NP_071407.4, residues 2820-2840): TLDLVADLTL[Gln2830Pro]EVRVVLEDIN

ClinVar aggregate classification (germline): Uncertain significance (1 of 4 stars; one submission).

Submission:

Labcorp Genetics (formerly Invitae), Labcorp
Classification: Uncertain significance. Last evaluated: 2022-06-15. Review status: criteria provided, single submitter. Criteria: Invitae Variant Classification Sherloc (09022015). Collection method: clinical testing. Allele origin: germline.
Comment: In summary, the available evidence is currently insufficient to determine the role of this variant in disease. Therefore, it has been classified as a Variant of Uncertain Significance. Experimental studies and prediction algorithms are not available or were not evaluated, and the functional significance of this variant is currently unknown. This missense change has been observed in individual(s) with clinical features of CDH23-related conditions (Invitae). This variant is present in population databases (no rsID available, gnomAD 0.04%). This sequence change replaces glutamine, which is neutral and polar, with proline, which is neutral and non-polar, at codon 2830 of the CDH23 protein (p.Gln2830Pro).